The following is an entry in ClinVar:

NM_015107.3(PHF8):c.1693A>G (p.Asn565Asp)

Gene: PHF8 (PHD finger protein 8; minus strand). Cytogenetic location: Xp11.22.
Variant type: single nucleotide variant.
Coding change: c.1693A>G on transcript NM_015107.3 (MANE Select); coding-DNA position 1693, A replaced by G.
Protein change: p.Asn565Asp; replaces asparagine 565 with aspartic acid.
Molecular consequence: missense variant.
Genome position (GRCh38, 1-based): chrX:53,992,773, T>C on the plus strand (A>G on the coding strand, the complement: PHF8 is on the minus strand). VCF-style: chrX-53992773-T-C. GRCh37 (hg19) VCF-style: chrX-54019206-T-C.
Other names: c.1801A>G, p.Asn601Asp (NM_001184896.1); c.1390A>G, p.Asn464Asp (NM_001184897.2); c.1693A>G, p.Asn565Asp (NM_001184898.2); short protein forms N464D, N565D, N601D.
Identifiers: ClinVar variation 1329535 (VCV001329535.3), dbSNP rs2149838605, ClinGen allele CA413256665.

ClinVar aggregate classification (germline): Uncertain significance (1 of 4 stars; one submission).

Submission:

GeneDx
Classification: Uncertain significance. Last evaluated: 2026-08-21. Review status: criteria provided, single submitter. Criteria: GeneDx Variant Classification Process June 2021. Collection method: clinical testing. Allele origin: germline.
Comment: In silico analysis suggests that this missense variant does not alter protein structure/function; Has not been previously published as pathogenic or benign to our knowledge; Not observed at significant frequency in large population cohorts (gnomAD)